The following is an entry in ClinVar:

ClinVar aggregate classification (germline): Uncertain significance (1 of 4 stars; one submission).

Conditions:
Malignant hyperthermia, susceptibility to, 1 (MHS1). Also called: RYR1-Related Malignant Hyperthermia Susceptibility; Anesthesia related hyperthermia; Malignant hyperpyrexia; Fulminating hyperpyrexia; Pharmacogenic myopathy; Malignant hyperthermia suceptibility 1. Identifiers: Orphanet 423, MedGen C2930980, MONDO:0007783, OMIM 145600.

Submission:

All of Us Research Program, National Institutes of Health
Classification: Uncertain significance for Malignant hyperthermia, susceptibility to, 1. Last evaluated: 2023-04-03. Review status: criteria provided, single submitter. Criteria: ACMG Guidelines, 2015. Collection method: clinical testing. Allele origin: germline. Inheritance: Autosomal dominant inheritance. Observed: 1 variant allele, 1 heterozygote.
Comment: This variant is located in the RYR1 protein. To our knowledge, functional studies have not been reported for this variant. This variant has not been reported in individuals affected with RYR1-related disorders in the literature. This variant has not been identified in the general population by the Genome Aggregation Database (gnomAD). The available evidence is insufficient to determine the role of this variant in disease conclusively. Therefore, this variant is classified as a Variant of Uncertain Significance.

This study involves interpretation of variants in research participants for the purpose of population health screening. Participant phenotype was not available at the time of variant classification. Additional details can be found in publication PMID: 35346344, PMCID: PMC8962531

NM_000540.3(RYR1):c.1584A>G (p.Leu528=)

Gene: RYR1 (ryanodine receptor 1; plus strand). Cytogenetic location: 19q13.2.
Variant type: single nucleotide variant.
Coding change: c.1584A>G on transcript NM_000540.3 (MANE Select); coding-DNA position 1584, A replaced by G.
Protein change: p.Leu528=; no amino-acid change (leucine 528 retained).
Molecular consequence: synonymous variant.
Genome position (GRCh38, 1-based): chr19:38,455,458, A>G. VCF-style: chr19-38455458-A-G. GRCh37 (hg19) VCF-style: chr19-38946098-A-G.
Other names: c.1584A>G, p.Leu528= (NM_001042723.2).
Identifiers: ClinVar variation 3070325 (VCV003070325.1), dbSNP rs2514026749, ClinGen allele CA507352528.